The following is an entry in ClinVar:

ClinVar aggregate classification (germline): Uncertain significance. Review status: criteria provided, multiple submitters, no conflicts (2 of 4 stars). 3 submissions from 3 submitters: Uncertain significance (3). Last evaluated 2025-07-29.

Conditions:
Congenital afibrinogenemia. Identifiers: Orphanet 335, Orphanet 98880, MedGen C2584774, MONDO:0008737, OMIM 202400.
Inborn genetic diseases. Identifiers: MedGen C0950123, MeSH D030342.

Allele frequency attached by ClinVar (database versions not stated): ExAC 0.00002; gnomAD 0.00004; TOPMed 0.00008; ESP Exome Variant Server 0.00015.

Submissions (3):

Labcorp Genetics (formerly Invitae), Labcorp
Classification: Uncertain significance. Last evaluated: 2025-07-29. Review status: criteria provided, single submitter. Criteria: Invitae Variant Classification Sherloc (09022015). Collection method: clinical testing. Allele origin: germline.
Comment: This sequence change replaces proline, which is neutral and non-polar, with serine, which is neutral and polar, at codon 7 of the FGG protein (p.Pro7Ser). This variant is present in population databases (rs374845868, gnomAD 0.01%). This variant has not been reported in the literature in individuals affected with FGG-related conditions. ClinVar contains an entry for this variant (Variation ID: 347833). An algorithm developed to predict the effect of missense changes on protein structure and function (PolyPhen-2) suggests that this variant is likely to be tolerated. In summary, the available evidence is currently insufficient to determine the role of this variant in disease. Therefore, it has been classified as a Variant of Uncertain Significance.

Ambry Genetics
Classification: Uncertain significance for Inborn genetic diseases. Last evaluated: 2022-02-03. Review status: criteria provided, single submitter. Criteria: Ambry Variant Classification Scheme 2023. Collection method: clinical testing. Allele origin: germline.

Illumina Laboratory Services, Illumina
Classification: Uncertain significance for Congenital afibrinogenemia. Last evaluated: 2018-01-13. Review status: criteria provided, single submitter. Criteria: ICSL Variant Classification Criteria 13 December 2019. Collection method: clinical testing. Allele origin: germline.

NM_021870.3(FGG):c.19C>T (p.Pro7Ser)

Gene: FGG (fibrinogen gamma chain; minus strand). Cytogenetic location: 4q32.1.
Variant type: single nucleotide variant.
Coding change: c.19C>T on transcript NM_021870.3 (MANE Select); coding-DNA position 19, C replaced by T.
Protein change: p.Pro7Ser; replaces proline 7 with serine.
Molecular consequence: missense variant.
Genome position (GRCh38, 1-based): chr4:154,612,591, G>A on the plus strand (C>T on the coding strand, the complement: FGG is on the minus strand). VCF-style: chr4-154612591-G-A. GRCh37 (hg19) VCF-style: chr4-155533743-G-A.
Other names: c.19C>T, p.Pro7Ser (NM_000509.6); short protein forms P7S.
Identifiers: ClinVar variation 347833 (VCV000347833.8), dbSNP rs374845868, ClinGen allele CA3115777.